The following is an entry in ClinVar:

NM_021942.6(TRAPPC11):c.1615A>G (p.Ile539Val)

Gene: TRAPPC11 (trafficking protein particle complex subunit 11; plus strand). Cytogenetic location: 4q35.1.
Variant type: single nucleotide variant.
Coding change: c.1615A>G on transcript NM_021942.6 (MANE Select); coding-DNA position 1615, A replaced by G.
Protein change: p.Ile539Val; replaces isoleucine 539 with valine.
Molecular consequence: missense variant.
Genome position (GRCh38, 1-based): chr4:183,685,131, A>G. VCF-style: chr4-183685131-A-G. GRCh37 (hg19) VCF-style: chr4-184606284-A-G.
Other names: c.1615A>G, p.Ile539Val (NM_199053.3); short protein forms I539V.
Identifiers: ClinVar variation 1041172 (VCV001041172.9), dbSNP rs1389363919, ClinGen allele CA358867956.

ClinVar aggregate classification (germline): Uncertain significance (1 of 4 stars; one submission).

Conditions:
Autosomal recessive limb-girdle muscular dystrophy type R18 (LGMDR18). Also called: MUSCULAR DYSTROPHY, LIMB-GIRDLE, AUTOSOMAL RECESSIVE 18; Autosomal recessive limb-girdle muscular dystrophy type 2S; Limb-girdle muscular dystrophy, type 2S. Identifiers: Orphanet 369840, MedGen C4517996, MONDO:0014144, OMIM 615356.

Allele frequency attached by ClinVar (database versions not stated): gnomAD exomes below 0.00001; TOPMed below 0.00001.
gnomAD v4.1: 1 of 1,613,994 alleles (0.000062%); no homozygotes.

Submission:

Labcorp Genetics (formerly Invitae), Labcorp
Classification: Uncertain significance for Autosomal recessive limb-girdle muscular dystrophy type R18. Last evaluated: 2022-06-20. Review status: criteria provided, single submitter. Criteria: Invitae Variant Classification Sherloc (09022015). Collection method: clinical testing. Allele origin: germline.
Comment: In summary, the available evidence is currently insufficient to determine the role of this variant in disease. Therefore, it has been classified as a Variant of Uncertain Significance. Algorithms developed to predict the effect of missense changes on protein structure and function (SIFT, PolyPhen-2, Align-GVGD) all suggest that this variant is likely to be tolerated. ClinVar contains an entry for this variant (Variation ID: 1041172). This variant has not been reported in the literature in individuals affected with TRAPPC11-related conditions. This variant is present in population databases (no rsID available, gnomAD 0.006%). This sequence change replaces isoleucine, which is neutral and non-polar, with valine, which is neutral and non-polar, at codon 539 of the TRAPPC11 protein (p.Ile539Val).